The following is an entry in ClinVar:

NM_080826.2(ISM1):c.376C>G (p.Gln126Glu)

Genes: ISM1 (isthmin 1; plus strand), TASP1 (taspase 1; minus strand). Cytogenetic location: 20p12.1.
Variant type: single nucleotide variant.
Coding change: c.376C>G on transcript NM_080826.2 (MANE Select); coding-DNA position 376, C replaced by G.
Protein change: p.Gln126Glu; replaces glutamine 126 with glutamic acid.
Molecular consequence: missense variant.
Genome position (GRCh38, 1-based): chr20:13,270,741, C>G. VCF-style: chr20-13270741-C-G. GRCh37 (hg19) VCF-style: chr20-13251388-C-G.
Other names: short protein forms Q126E.
Identifiers: ClinVar variation 3044524 (VCV003044524.2), dbSNP rs75146235, ClinGen allele CA9766188.

ClinVar aggregate classification (germline): Benign (0 of 4 stars; one submission).

Conditions:
ISM1-related disorder. Also called: ISM1-related condition.

Allele frequency attached by ClinVar (database versions not stated): gnomAD exomes 0.00046; gnomAD 0.00074; TOPMed 0.00099; ExAC 0.00165; 1000 Genomes Project 0.00359; 1000 Genomes Project 30x 0.00359.
gnomAD v4.1: 785 of 1,613,250 alleles (0.049%); highest among the groups gnomAD compares: East Asian, 1.6%; 11 homozygotes.

Submission:

PreventionGenetics, part of Exact Sciences
Classification: Benign for ISM1-related condition. Last evaluated: 2019-10-07. Review status: no assertion criteria provided. Collection method: clinical testing. Allele origin: germline.
Comment: This variant is classified as benign based on ACMG/AMP sequence variant interpretation guidelines (Richards et al. 2015 PMID: 25741868, with internal and published modifications).